The following is an entry in ClinVar:

NM_005733.3(KIF20A):c.951A>C (p.Leu317Phe)

Gene: KIF20A (kinesin family member 20A; plus strand). Cytogenetic location: 5q31.2.
Variant type: single nucleotide variant.
Coding change: c.951A>C on transcript NM_005733.3 (MANE Select); coding-DNA position 951, A replaced by C.
Protein change: p.Leu317Phe; replaces leucine 317 with phenylalanine.
Molecular consequence: missense variant.
Genome position (GRCh38, 1-based): chr5:138,183,287, A>C. VCF-style: chr5-138183287-A-C. GRCh37 (hg19) VCF-style: chr5-137518976-A-C.
Other names: c.951A>C (NM_005733.2); short protein forms L317F.
Identifiers: ClinVar variation 1510524 (VCV001510524.9), dbSNP rs1455932468, ClinGen allele CA361114753.

ClinVar aggregate classification (germline): Uncertain significance. Review status: criteria provided, multiple submitters, no conflicts (2 of 4 stars). 2 submissions from 2 submitters: Uncertain significance (2). Last evaluated 2024-02-27.

Allele frequency attached by ClinVar (database versions not stated): gnomAD exomes 0.00001.
gnomAD v4.1: 4 of 1,614,254 alleles (0.00025%); highest among the groups gnomAD compares: Admixed American, 0.0067%; no homozygotes.

Submissions (2):

Ambry Genetics
Classification: Uncertain significance. Last evaluated: 2024-02-27. Review status: criteria provided, single submitter. Criteria: Ambry Variant Classification Scheme 2023. Collection method: clinical testing. Allele origin: germline.

Labcorp Genetics (formerly Invitae), Labcorp
Classification: Uncertain significance. Last evaluated: 2021-06-17. Review status: criteria provided, single submitter. Criteria: Invitae Variant Classification Sherloc (09022015). Collection method: clinical testing. Allele origin: germline.
Comment: Algorithms developed to predict the effect of missense changes on protein structure and function are either unavailable or do not agree on the potential impact of this missense change (SIFT: "Deleterious"; PolyPhen-2: "Probably Damaging"; Align-GVGD: "Class C15"). This variant has not been reported in the literature in individuals with KIF20A-related conditions. In summary, the available evidence is currently insufficient to determine the role of this variant in disease. Therefore, it has been classified as a Variant of Uncertain Significance. This variant is not present in population databases (ExAC no frequency). This sequence change replaces leucine with phenylalanine at codon 317 of the KIF20A protein (p.Leu317Phe). The leucine residue is highly conserved and there is a small physicochemical difference between leucine and phenylalanine.